The following is an entry in ClinVar:

NM_000187.4(HGD):c.142G>T (p.Ala48Ser)

Gene: HGD (homogentisate 1,2-dioxygenase; minus strand). Cytogenetic location: 3q13.33.
Variant type: single nucleotide variant.
Coding change: c.142G>T on transcript NM_000187.4 (MANE Select); coding-DNA position 142, G replaced by T.
Protein change: p.Ala48Ser; replaces alanine 48 with serine.
Molecular consequence: missense variant.
Genome position (GRCh38, 1-based): chr3:120,674,935, C>A on the plus strand (G>T on the coding strand, the complement: HGD is on the minus strand). VCF-style: chr3-120674935-C-A. GRCh37 (hg19) VCF-style: chr3-120393782-C-A.
Other names: short protein forms A48S.
Identifiers: ClinVar variation 342753 (VCV000342753.16), dbSNP rs138846036, ClinGen allele CA2560337.

ClinVar aggregate classification (germline): Benign/Likely benign. Review status: criteria provided, multiple submitters, no conflicts (2 of 4 stars). 3 submissions from 3 submitters: Benign (1); Likely benign (2). Last evaluated 2026-01-27.

Conditions:
Alkaptonuria (AKU). Also called: Alcaptonuria; Homogentisic acidura; HOMOGENTISIC ACID OXIDASE DEFICIENCY; Alkaptonuric ochronosis. Identifiers: Orphanet 56, MedGen C0002066, MONDO:0008753, OMIM 203500.

Allele frequency attached by ClinVar (database versions not stated): gnomAD exomes 0.00092 and 0.00248; ExAC 0.00302; gnomAD 0.00963 and 0.01021; TOPMed 0.01066; ESP Exome Variant Server 0.01100; 1000 Genomes Project 0.01338; 1000 Genomes Project 30x 0.01452.
gnomAD v4.1: 2,896 of 1,611,652 alleles (0.18%); highest among the groups gnomAD compares: African/African-American, 3.2%; 46 homozygotes.

Submissions (3):

Labcorp Genetics (formerly Invitae), Labcorp
Classification: Benign for Alkaptonuria. Last evaluated: 2026-01-27. Review status: criteria provided, single submitter. Criteria: Invitae Variant Classification Sherloc (09022015). Collection method: clinical testing. Allele origin: germline.

Illumina Laboratory Services, Illumina
Classification: Likely benign for Alkaptonuria. Last evaluated: 2017-04-27. Review status: criteria provided, single submitter. Criteria: ICSL Variant Classification Criteria 13 December 2019. Collection method: clinical testing. Allele origin: germline.
Comment: This variant was observed as part of a predisposition screen in an ostensibly healthy population. A literature search was performed for the gene, cDNA change, and amino acid change (where applicable). No publications were found based on this search. Allele frequency data from public databases allowed determination this variant is unlikely to cause disease. Therefore, this variant is classified as likely benign.

Breakthrough Genomics
Classification: Likely benign. Review status: criteria provided, single submitter. Criteria: ACMG Guidelines, 2015. Collection method: not provided. Allele origin: germline. Inheritance: Autosomal recessive inheritance. Affected: yes.